The following is an entry in ClinVar:

NM_000348.4(SRD5A2):c.271T>G (p.Tyr91Asp)

Gene: SRD5A2 (steroid 5 alpha-reductase 2; minus strand). Cytogenetic location: 2p23.1.
Variant type: single nucleotide variant.
Coding change: c.271T>G on transcript NM_000348.4 (MANE Select); coding-DNA position 271, T replaced by G.
Protein change: p.Tyr91Asp; replaces tyrosine 91 with aspartic acid.
Molecular consequence: missense variant.
Genome position (GRCh38, 1-based): chr2:31,580,630, A>C on the plus strand (T>G on the coding strand, the complement: SRD5A2 is on the minus strand). VCF-style: chr2-31580630-A-C. GRCh37 (hg19) VCF-style: chr2-31805700-A-C.
Other names: short protein forms Y91D.
Identifiers: ClinVar variation 492898 (VCV000492898.2), dbSNP rs201175894, ClinGen allele CA1599995.

ClinVar aggregate classification (germline): Uncertain significance. Review status: criteria provided, single submitter (1 of 4 stars). 2 submissions from 2 submitters: Uncertain significance (1). 1 of the submissions does not count toward it. Last evaluated 2024-08-07.

Conditions:
3-Oxo-5 alpha-steroid delta 4-dehydrogenase deficiency (PPSH). Also called: 46,XY disorder of sex development due to 5-alpha-reductase 2 deficiency; PSEUDOVAGINAL PERINEOSCROTAL HYPOSPADIAS; FAMILIAL INCOMPLETE MALE PSEUDOHERMAPHRODITISM, TYPE 2; MALE PSEUDOHERMAPHRODITISM DUE TO 5-ALPHA-REDUCTASE DEFICIENCY. Identifiers: Orphanet 753, MedGen C0268297, MONDO:0009923, OMIM 264600. Disease mechanism: loss of function.

Allele frequency attached by ClinVar (database versions not stated): TOPMed 0.00002; gnomAD 0.00003.
gnomAD v4.1: 57 of 1,569,840 alleles (0.0036%); highest among the groups gnomAD compares: Non-Finnish European, 0.00043%; no homozygotes.

Submissions (2):

Women's Health and Genetics/Laboratory Corporation of America, LabCorp
Classification: Uncertain significance. Last evaluated: 2024-08-07. Review status: criteria provided, single submitter. Criteria: LabCorp Variant Classification Summary - May 2015. Collection method: clinical testing. Allele origin: germline.
Comment: Variant summary: SRD5A2 c.271T>G (p.Phe91Val) results in a non-conservative amino acid change in the encoded protein sequence. Two of three in-silico tools predict a benign effect of the variant on protein function. The variant was absent in 194434 control chromosomes. The available data on variant occurrences in the general population are insufficient to allow any conclusion about variant significance. To our knowledge, no occurrence of c.271T>G in individuals affected with 3-Oxo-5 alpha-steroid delta 4-dehydrogenase deficiency and no experimental evidence demonstrating its impact on protein function have been reported. No submitters have cited clinical-significance assessments for this variant to ClinVar. Based on the evidence outlined above, the variant was classified as uncertain significance.

Clinical Molecular Genetics Laboratory, Johns Hopkins All Children's Hospital
Classification: Pathogenic for 3-Oxo-5 alpha-steroid delta 4-dehydrogenase deficiency. Last evaluated: 2010-09-27. Review status: no assertion criteria provided. Collection method: clinical testing. Allele origin: germline. Affected: yes. Not counted in ClinVar's aggregate classification.